The following is an entry in ClinVar:

ClinVar aggregate classification (germline): Uncertain significance (1 of 4 stars; one submission).

Conditions:
Hereditary cancer-predisposing syndrome. Also called: Neoplastic Syndromes, Hereditary; Tumor predisposition; Hereditary Cancer Syndrome; Hereditary neoplastic syndrome. Identifiers: Orphanet 140162, MedGen C0027672, MeSH D009386, MONDO:0015356.

Submission:

Ambry Genetics
Classification: Uncertain significance for Hereditary cancer-predisposing syndrome. Last evaluated: 2022-06-27. Review status: criteria provided, single submitter. Criteria: Ambry Variant Classification Scheme 2023. Collection method: clinical testing. Allele origin: germline.
Comment: The p.G1317E variant (also known as c.3950G>A), located in coding exon 19 of the MET gene, results from a G to A substitution at nucleotide position 3950. The glycine at codon 1317 is replaced by glutamic acid, an amino acid with similar properties. This amino acid position is conserved. In addition, this alteration is predicted to be deleterious by in silico analysis. Since supporting evidence is limited at this time, the clinical significance of this alteration remains unclear.

NM_000245.4(MET):c.3896G>A (p.Gly1299Glu)

Gene: MET (MET proto-oncogene, receptor tyrosine kinase; plus strand). Cytogenetic location: 7q31.2.
Variant type: single nucleotide variant.
Coding change: c.3896G>A on transcript NM_000245.4 (MANE Select); coding-DNA position 3896, G replaced by A.
Protein change: p.Gly1299Glu; replaces glycine 1299 with glutamic acid.
Molecular consequence: missense variant.
Genome position (GRCh38, 1-based): chr7:116,795,752, G>A. VCF-style: chr7-116795752-G-A. GRCh37 (hg19) VCF-style: chr7-116435806-G-A.
Other names: c.3950G>A, p.Gly1317Glu (NM_001127500.3); c.2606G>A, p.Gly869Glu (NM_001324402.2); short protein forms G1299E, G1317E, G869E.
Identifiers: ClinVar variation 1736438 (VCV001736438.2), dbSNP rs2117108685, ClinGen allele CA369117936.